The following is an entry in ClinVar:

ClinVar aggregate classification (germline): Conflicting classifications of pathogenicity. Review status: criteria provided, conflicting classifications (1 of 4 stars). 4 submissions from 4 submitters: Uncertain significance (3); Benign (1). Last evaluated 2026-02-01.

Conditions:
Inborn genetic diseases. Identifiers: MedGen C0950123, MeSH D030342.
Hypokalemic periodic paralysis, type 1. Also called: HypoPP; Hypokalemic Periodic Paralysis Type 1 (AD). Identifiers: Orphanet 681, MedGen C3714580, MONDO:0042979, OMIM 170400.
Malignant hyperthermia, susceptibility to, 5 (MHS5). Also called: CACNA1S-Related Malignant Hyperthermia Susceptibility. Identifiers: Orphanet 423, MedGen C1866077, MONDO:0011163, OMIM 601887.
Thyrotoxic periodic paralysis, susceptibility to, 1 (TTPP1). Identifiers: Orphanet 79102, MedGen C2749982, MONDO:0008570, OMIM 188580.

Allele frequency attached by ClinVar (database versions not stated): ExAC 0.00002; gnomAD 0.00002; TOPMed 0.00003; gnomAD exomes 0.00005; ESP Exome Variant Server 0.00008.
gnomAD v4.1: 36 of 1,613,918 alleles (0.0022%); highest among the groups gnomAD compares: Admixed American, 0.033%; no homozygotes.

Submissions (4):

Labcorp Genetics (formerly Invitae), Labcorp
Classification: Benign for Hypokalemic periodic paralysis, type 1; Malignant hyperthermia, susceptibility to, 5. Last evaluated: 2026-02-01. Review status: criteria provided, single submitter. Criteria: Invitae Variant Classification Sherloc (09022015). Collection method: clinical testing. Allele origin: germline.

Color Diagnostics, LLC DBA Color Health
Classification: Uncertain significance for Malignant hyperthermia, susceptibility to, 5. Last evaluated: 2024-04-25. Review status: criteria provided, single submitter. Criteria: ACMG Guidelines, 2015. Collection method: clinical testing. Allele origin: germline.
Comment: This missense variant replaces glycine with serine at codon 85 of the CACNA1S protein. Computational prediction suggests that this variant may not impact protein structure and function. To our knowledge, functional studies have not been reported for this variant. This variant has not been reported in individuals affected with CACNA1S-related disorders in the literature. This variant has been identified in 14/282638 chromosomes in the general population by the Genome Aggregation Database (gnomAD). The available evidence is insufficient to determine the role of this variant in disease conclusively. Therefore, this variant is classified as a Variant of Uncertain Significance.

Ambry Genetics
Classification: Uncertain significance for Inborn genetic diseases. Last evaluated: 2024-01-23. Review status: criteria provided, single submitter. Criteria: Ambry Variant Classification Scheme 2023. Collection method: clinical testing. Allele origin: germline.

Fulgent Genetics
Classification: Uncertain significance for Hypokalemic periodic paralysis, type 1; Thyrotoxic periodic paralysis, susceptibility to, 1; Malignant hyperthermia, susceptibility to, 5. Last evaluated: 2022-05-25. Review status: criteria provided, single submitter. Criteria: ACMG Guidelines, 2015. Collection method: clinical testing. Allele origin: unknown.

NM_000069.3(CACNA1S):c.253G>A (p.Gly85Ser)

Gene: CACNA1S (calcium voltage-gated channel subunit alpha1 S; minus strand). Cytogenetic location: 1q32.1.
Variant type: single nucleotide variant.
Coding change: c.253G>A on transcript NM_000069.3 (MANE Select); coding-DNA position 253, G replaced by A.
Protein change: p.Gly85Ser; replaces glycine 85 with serine.
Molecular consequence: missense variant.
Genome position (GRCh38, 1-based): chr1:201,110,169, C>T on the plus strand (G>A on the coding strand, the complement: CACNA1S is on the minus strand). VCF-style: chr1-201110169-C-T. GRCh37 (hg19) VCF-style: chr1-201079297-C-T.
Other names: short protein forms G85S.
Identifiers: ClinVar variation 567099 (VCV000567099.15), dbSNP rs369931782, ClinGen allele CA079052.
Genomic context (GRCh38, chr1:201,110,169, plus strand): 5'-CCCCAAGCCTGGGGCTGCAGGCTCGCAGGAAGGGAGATGGAAGGGCCAATCTTACCAGGC[C>T]GAGGTTCAGAGAGTTGTTGTCATCTTCCGGCATGGGCAGGTACACGGCCAGGGCCACACA-3'
Protein context (NP_000060.2, residues 75-95): PEDDNNSLNL[Gly85Ser]LEKLEYFFLI